The following is an entry in ClinVar:

NM_173176.3(PTK2B):c.2799A>G (p.Ser933=)

Gene: PTK2B (protein tyrosine kinase 2 beta; plus strand). Cytogenetic location: 8p21.2.
Variant type: single nucleotide variant.
Coding change: c.2799A>G on transcript NM_173176.3 (MANE Select); coding-DNA position 2799, A replaced by G.
Protein change: p.Ser933=; no amino-acid change (serine 933 retained).
Molecular consequence: synonymous variant.
Genome position (GRCh38, 1-based): chr8:27,454,596, A>G. VCF-style: chr8-27454596-A-G. GRCh37 (hg19) VCF-style: chr8-27312113-A-G.
Other names: c.2799A>G, p.Ser933= (NM_004103.4, NM_173174.3); c.2673A>G, p.Ser891= (NM_173175.2).
Identifiers: ClinVar variation 2658501 (VCV002658501.24), dbSNP rs56046263, ClinGen allele CA4689303.

ClinVar aggregate classification (germline): Likely benign (1 of 4 stars; one submission).

Allele frequency attached by ClinVar (database versions not stated): 1000 Genomes Project 30x 0.00172; 1000 Genomes Project 0.00200; ExAC 0.00221; ESP Exome Variant Server 0.00254; gnomAD 0.00275; TOPMed 0.00277.
gnomAD v4.1: 4,837 of 1,614,082 alleles (0.3%); highest among the groups gnomAD compares: Admixed American, 0.41%; 12 homozygotes.

Submission:

CeGaT Center for Human Genetics Tuebingen
Classification: Likely benign. Last evaluated: 2022-12-01. Review status: criteria provided, single submitter. Criteria: CeGaT Center For Human Genetics Tuebingen Variant Classification Criteria Version 2. Collection method: clinical testing. Allele origin: germline. Affected: yes. Observed: 2 variant alleles.
Comment: PTK2B: BP4, BP7